The following is an entry in ClinVar:

ClinVar aggregate classification (germline): Uncertain significance (1 of 4 stars; one submission).

Conditions:
Dilated cardiomyopathy 1II (CMD1II). Identifiers: Orphanet 154, MedGen C3554649, MONDO:0014073, OMIM 615184.

Submission:

Labcorp Genetics (formerly Invitae), Labcorp
Classification: Uncertain significance for Dilated cardiomyopathy 1II. Last evaluated: 2024-02-04. Review status: criteria provided, single submitter. Criteria: Invitae Variant Classification Sherloc (09022015). Collection method: clinical testing. Allele origin: germline.
Comment: This sequence change replaces leucine, which is neutral and non-polar, with histidine, which is basic and polar, at codon 65 of the CRYAB protein (p.Leu65His). This variant is not present in population databases (gnomAD no frequency). This variant has not been reported in the literature in individuals affected with CRYAB-related conditions. An algorithm developed to predict the effect of missense changes on protein structure and function (PolyPhen-2) suggests that this variant is likely to be tolerated. In summary, the available evidence is currently insufficient to determine the role of this variant in disease. Therefore, it has been classified as a Variant of Uncertain Significance.

NM_001289808.2(CRYAB):c.194T>A (p.Leu65His)

Gene: CRYAB (crystallin alpha B; minus strand). Cytogenetic location: 11q23.1.
Variant type: single nucleotide variant.
Coding change: c.194T>A on transcript NM_001289808.2 (MANE Select); coding-DNA position 194, T replaced by A.
Protein change: p.Leu65His; replaces leucine 65 with histidine.
Molecular consequence: missense variant.
Genome position (GRCh38, 1-based): chr11:111,911,531, A>T on the plus strand (T>A on the coding strand, the complement: CRYAB is on the minus strand). VCF-style: chr11-111911531-A-T. GRCh37 (hg19) VCF-style: chr11-111782255-A-T.
Other names: c.194T>A, p.Leu65His (NM_001289807.1, NM_001368245.1, NM_001885.3); short protein forms L65H.
Identifiers: ClinVar variation 3621374 (VCV003621374.2).